The following is an entry in ClinVar:

NM_014297.5(ETHE1):c.531G>A (p.Ser177=)

Gene: ETHE1 (ETHE1 persulfide dioxygenase; minus strand). Cytogenetic location: 19q13.31.
Variant type: single nucleotide variant.
Coding change: c.531G>A on transcript NM_014297.5 (MANE Select); coding-DNA position 531, G replaced by A.
Protein change: p.Ser177=; no amino-acid change (serine 177 retained).
Molecular consequence: synonymous variant.
Genome position (GRCh38, 1-based): chr19:43,508,839, C>T on the plus strand (G>A on the coding strand, the complement: ETHE1 is on the minus strand). VCF-style: chr19-43508839-C-T. GRCh37 (hg19) VCF-style: chr19-44012991-C-T.
Other names: c.498G>A, p.Ser166= (NM_001320867.2); c.162G>A, p.Ser54= (NM_001320868.2); c.237G>A, p.Ser79= (NM_001320869.2).
Identifiers: ClinVar variation 2650063 (VCV002650063.24), dbSNP rs1430574021, ClinGen allele CA507737148.

ClinVar aggregate classification (germline): Likely benign (1 of 4 stars; one submission).

Allele frequency attached by ClinVar (database versions not stated): gnomAD exomes 0.00003.

Submission:

CeGaT Center for Human Genetics Tuebingen
Classification: Likely benign. Last evaluated: 2023-03-01. Review status: criteria provided, single submitter. Criteria: CeGaT Center For Human Genetics Tuebingen Variant Classification Criteria Version 2. Collection method: clinical testing. Allele origin: germline. Affected: yes. Observed: 1 variant allele.
Comment: ETHE1: BP4, BP7